The following is an entry in ClinVar:

NM_001009944.3(PKD1):c.4743dup (p.Trp1582fs)

Gene: PKD1 (polycystin 1, transient receptor potential channel interacting; minus strand). Cytogenetic location: 16p13.3.
Variant type: Duplication.
Coding change: c.4743dup on transcript NM_001009944.3 (MANE Select); coding-DNA position 4743, one base duplicated (C; older notation c.4743dupC).
Protein change: p.Trp1582fs; shifts the reading frame from tryptophan 1582.
Molecular consequence: frameshift variant.
Genome position (GRCh38, 1-based): chr16:2,110,424, G duplicated on the plus strand (C on the coding strand, the reverse complement: PKD1 is on the minus strand); the first of 2 consecutive G bases (chr16:2,110,424-2,110,425); duplicating either gives the same sequence. VCF-style (leftmost placement, unchanged base first): chr16-2110423-A-AG. GRCh37 (hg19) VCF-style: chr16-2160424-A-AG.
Other names: c.4743dup, p.Trp1582fs (NM_000296.4); short protein forms W1582fs.
Identifiers: ClinVar variation 1179034 (VCV001179034.2), dbSNP rs2151796475, ClinGen allele CA2499223383.

ClinVar aggregate classification (germline): Pathogenic (1 of 4 stars; one submission).

Conditions:
Polycystic kidney disease, adult type (PKD1). Also called: POLYCYSTIC KIDNEY DISEASE 1 WITH OR WITHOUT POLYCYSTIC LIVER DISEASE; POLYCYSTIC KIDNEY DISEASE, ADULT, TYPE I; Polycystic Kidney Disease 1, Autosomal Dominant; Polycystic kidney disease 1; Polycystic kidney disease 1, severe; Polycystic Kidney, Autosomal Dominant. Identifiers: MedGen C3149841, MONDO:0008263, OMIM 173900.

Submission:

Fulgent Genetics
Classification: Pathogenic for Polycystic kidney disease, adult type. Last evaluated: 2021-06-30. Review status: criteria provided, single submitter. Criteria: ACMG Guidelines, 2015. Collection method: clinical testing. Allele origin: unknown.
Comment: This variant has been detected in individual(s) who were sent for testing of Renasight - kidney gene panel.